The following is an entry in ClinVar:

ClinVar aggregate classification (germline): Uncertain significance. Review status: criteria provided, multiple submitters, no conflicts (2 of 4 stars). 4 submissions from 4 submitters: Uncertain significance (4). Last evaluated 2026-01-06.

Conditions:
Inborn genetic diseases. Identifiers: MedGen C0950123, MeSH D030342.

Allele frequency attached by ClinVar (database versions not stated): TOPMed 0.00001.
gnomAD v4.1: 5 of 1,612,772 alleles (0.00031%); highest among the groups gnomAD compares: Non-Finnish European, 0.00034%; no homozygotes.

Submissions (4):

Women's Health and Genetics/Laboratory Corporation of America, LabCorp
Classification: Uncertain significance. Last evaluated: 2026-01-06. Review status: criteria provided, single submitter. Criteria: LabCorp Variant Classification Summary - May 2015. Collection method: clinical testing. Allele origin: germline.
Comment: Variant summary: ACAN c.750G>T (p.Glu250Asp) results in a conservative amino acid change in the encoded protein sequence. Algorithms developed to predict the effect of missense changes on protein structure and function all suggest that this variant is likely to be tolerated. The variant was absent in 249126 control chromosomes. The available data on variant occurrences in the general population are insufficient to allow any conclusion about variant significance. To our knowledge, no occurrence of c.750G>T in individuals affected with ACAN-related conditions and no experimental evidence demonstrating its impact on protein function have been reported. ClinVar contains an entry for this variant (Variation ID: 2240696). Based on the evidence outlined above, the variant was classified as uncertain significance.

Labcorp Genetics (formerly Invitae), Labcorp
Classification: Uncertain significance. Last evaluated: 2024-06-17. Review status: criteria provided, single submitter. Criteria: Invitae Variant Classification Sherloc (09022015). Collection method: clinical testing. Allele origin: germline.
Comment: This sequence change replaces glutamic acid, which is acidic and polar, with aspartic acid, which is acidic and polar, at codon 250 of the ACAN protein (p.Glu250Asp). This variant is not present in population databases (gnomAD no frequency). This variant has not been reported in the literature in individuals affected with ACAN-related conditions. ClinVar contains an entry for this variant (Variation ID: 2240696). Advanced modeling of protein sequence and biophysical properties (such as structural, functional, and spatial information, amino acid conservation, physicochemical variation, residue mobility, and thermodynamic stability) performed at Invitae indicates that this missense variant is not expected to disrupt ACAN protein function with a negative predictive value of 80%. In summary, the available evidence is currently insufficient to determine the role of this variant in disease. Therefore, it has been classified as a Variant of Uncertain Significance.

GeneDx
Classification: Uncertain significance. Last evaluated: 2024-03-10. Review status: criteria provided, single submitter. Criteria: GeneDx Variant Classification Process June 2021. Collection method: clinical testing. Allele origin: germline. Affected: yes.
Comment: Not observed at significant frequency in large population cohorts (gnomAD); In silico analysis supports that this missense variant has a deleterious effect on protein structure/function; Has not been previously published as pathogenic or benign to our knowledge

Ambry Genetics
Classification: Uncertain significance for Inborn genetic diseases. Last evaluated: 2021-08-02. Review status: criteria provided, single submitter. Criteria: Ambry Variant Classification Scheme 2023. Collection method: clinical testing. Allele origin: germline.

NM_001369268.1(ACAN):c.750G>T (p.Glu250Asp)

Gene: ACAN (aggrecan; plus strand). Cytogenetic location: 15q26.1.
Variant type: single nucleotide variant.
Coding change: c.750G>T on transcript NM_001369268.1 (MANE Select); coding-DNA position 750, G replaced by T.
Protein change: p.Glu250Asp; replaces glutamic acid 250 with aspartic acid.
Molecular consequence: missense variant.
Genome position (GRCh38, 1-based): chr15:88,841,860, G>T. VCF-style: chr15-88841860-G-T. GRCh37 (hg19) VCF-style: chr15-89385091-G-T.
Other names: c.750G>T, p.Glu250Asp (NM_001135.4, NM_001411096.1, NM_001411097.1 and 1 more transcripts); short protein forms E250D.
Identifiers: ClinVar variation 2240696 (VCV002240696.7), dbSNP rs1896671085, ClinGen allele CA393706171.